The following is an entry in ClinVar:

NM_000342.4(SLC4A1):c.1659T>A (p.Tyr553Ter)

Gene: SLC4A1 (solute carrier family 4 member 1 (Diego blood group); minus strand). Cytogenetic location: 17q21.31.
Variant type: single nucleotide variant.
Coding change: c.1659T>A on transcript NM_000342.4 (MANE Select); coding-DNA position 1659, T replaced by A.
Protein change: p.Tyr553Ter; replaces tyrosine 553 with a stop codon.
Molecular consequence: nonsense.
Genome position (GRCh38, 1-based): chr17:44,255,814, A>T on the plus strand (T>A on the coding strand, the complement: SLC4A1 is on the minus strand). VCF-style: chr17-44255814-A-T. GRCh37 (hg19) VCF-style: chr17-42333182-A-T.
Other names: p.Tyr553*; short protein forms Y553*.
Identifiers: ClinVar variation 2683521 (VCV002683521.1), dbSNP rs778311783, ClinGen allele CA399784701.

ClinVar aggregate classification (germline): Likely pathogenic (1 of 4 stars; one submission).

Submission:

Mayo Clinic Laboratories, Mayo Clinic
Classification: Likely pathogenic. Last evaluated: 2022-08-16. Review status: criteria provided, single submitter. Criteria: ACMG Guidelines, 2015. Collection method: clinical testing. Allele origin: germline. Observed: 1 variant allele.
Comment: PM2, PVS1